The following is an entry in ClinVar:

ClinVar aggregate classification (germline): Uncertain significance (1 of 4 stars; one submission).

Conditions:
Inborn genetic diseases. Identifiers: MedGen C0950123, MeSH D030342.

Submission:

Ambry Genetics
Classification: Uncertain significance for Inborn genetic diseases. Last evaluated: 2025-11-10. Review status: criteria provided, single submitter. Criteria: Ambry Variant Classification Scheme 2023. Collection method: clinical testing. Allele origin: germline.
Comment: The p.T251S variant (also known as c.752C>G), located in coding exon 6 of the DNMT3A gene, results from a C to G substitution at nucleotide position 752. The threonine at codon 251 is replaced by serine, an amino acid with similar properties. This amino acid position is conserved. In addition, the in silico prediction for this alteration is inconclusive. Based on the available evidence, the clinical significance of this variant remains unclear.

NM_022552.5(DNMT3A):c.752C>G (p.Thr251Ser)

Gene: DNMT3A (DNA methyltransferase 3 alpha; minus strand). Cytogenetic location: 2p23.3.
Variant type: single nucleotide variant.
Coding change: c.752C>G on transcript NM_022552.5 (MANE Select); coding-DNA position 752, C replaced by G.
Protein change: p.Thr251Ser; replaces threonine 251 with serine.
Molecular consequence: missense variant. On other transcripts: non-coding transcript variant (1).
Genome position (GRCh38, 1-based): chr2:25,248,140, G>C on the plus strand (C>G on the coding strand, the complement: DNMT3A is on the minus strand). VCF-style: chr2-25248140-G-C. GRCh37 (hg19) VCF-style: chr2-25471009-G-C.
Other names: c.296C>G, p.Thr99Ser (NM_001320893.1); c.83C>G, p.Thr28Ser (NM_001375819.1); c.185C>G, p.Thr62Ser (NM_153759.3); c.752C>G, p.Thr251Ser (NM_175629.2); short protein forms T28S, T251S, T62S, T99S.
Identifiers: ClinVar variation 4617775 (VCV004617775.1).